The following is an entry in ClinVar:

ClinVar aggregate classification (germline): Conflicting classifications of pathogenicity. Review status: criteria provided, conflicting classifications (1 of 4 stars). 2 submissions from 2 submitters: Pathogenic (1); Uncertain significance (1). Last evaluated 2022-04-25.

Submissions (2):

Labcorp Genetics (formerly Invitae), Labcorp
Classification: Pathogenic. Last evaluated: 2022-04-25. Review status: criteria provided, single submitter. Criteria: Invitae Variant Classification Sherloc (09022015). Collection method: clinical testing. Allele origin: germline.
Comment: This variant is not present in population databases (gnomAD no frequency). For these reasons, this variant has been classified as Pathogenic. Advanced modeling of protein sequence and biophysical properties (such as structural, functional, and spatial information, amino acid conservation, physicochemical variation, residue mobility, and thermodynamic stability) performed at Invitae indicates that this missense variant is expected to disrupt ABCA4 protein function. This missense change has been observed in individual(s) with ABCA4-related conditions and/or Stargardt disease (PMID: 33301772; Invitae). This sequence change replaces glutamine, which is neutral and polar, with proline, which is neutral and non-polar, at codon 957 of the ABCA4 protein (p.Gln957Pro).

Blueprint Genetics
Classification: Uncertain significance. Last evaluated: 2021-09-16. Review status: criteria provided, single submitter. Criteria: ACMG Guidelines, 2015. Collection method: clinical testing. Allele origin: germline.

Literature cited by the submitters: PubMed 33301772 (cited by Labcorp Genetics (formerly Invitae), Labcorp).

NM_000350.3(ABCA4):c.2870A>C (p.Gln957Pro)

Gene: ABCA4 (ATP binding cassette subfamily A member 4; minus strand). Cytogenetic location: 1p22.1.
Variant type: single nucleotide variant.
Coding change: c.2870A>C on transcript NM_000350.3 (MANE Select); coding-DNA position 2870, A replaced by C.
Protein change: p.Gln957Pro; replaces glutamine 957 with proline.
Molecular consequence: missense variant.
Genome position (GRCh38, 1-based): chr1:94,046,967, T>G on the plus strand (A>C on the coding strand, the complement: ABCA4 is on the minus strand). VCF-style: chr1-94046967-T-G. GRCh37 (hg19) VCF-style: chr1-94512523-T-G.
Other names: c.2648A>C, p.Gln883Pro (NM_001425324.1); short protein forms Q957P, Q883P.
Identifiers: ClinVar variation 1473734 (VCV001473734.9), dbSNP rs61749448, ClinGen allele CA341275377.